The following is an entry in ClinVar:

ClinVar aggregate classification (germline): Uncertain significance (1 of 4 stars; one submission).

Conditions:
Cardiomyopathy (CMYO). Also called: Cardiomyopathies. Identifiers: Orphanet 167848, MedGen C0878544, MONDO:0004994, HP:0001638. Inheritance: Various modes of inheritance.

Submission:

All of Us Research Program, National Institutes of Health
Classification: Uncertain significance for Cardiomyopathy. Last evaluated: 2024-02-05. Review status: criteria provided, single submitter. Criteria: ACMG Guidelines, 2015. Collection method: clinical testing. Allele origin: germline. Inheritance: Autosomal dominant inheritance. Observed: 1 variant allele, 1 heterozygote.
Comment: This variant causes a G>A nucleotide substitution at the +1 position of intron 13 of the TNNT2 gene. Splice site prediction tools suggest that this variant may have a significant impact on RNA splicing. Although this prediction has not been confirmed in published RNA studies, this variant is expected to result in an absent or disrupted protein product. This variant has not been reported in individuals affected with TNNT2-related disorders in the literature. This variant has not been identified in the general population by the Genome Aggregation Database (gnomAD). Clinical relevance of loss-of-function TNNT2 truncation and splice variants in autosomal dominant cardiovascular disorders is not clearly established. The available evidence is insufficient to determine the role of this variant in disease conclusively. Therefore, this variant is classified as a Variant of Uncertain Significance.

This study involves interpretation of variants in research participants for the purpose of population health screening. Participant phenotype was not available at the time of variant classification. Additional details can be found in publication PMID: 35346344, PMCID: PMC8962531

NM_001276345.2(TNNT2):c.719+1G>A

Gene: TNNT2 (troponin T2, cardiac type; minus strand). Cytogenetic location: 1q32.1.
Variant type: single nucleotide variant.
Coding change: c.719+1G>A on transcript NM_001276345.2 (MANE Select); the canonical splice donor site of the intron after coding-DNA position 719, G replaced by A.
Molecular consequence: splice donor variant.
Genome position (GRCh38, 1-based): chr1:201,361,912, C>T on the plus strand (G>A on the coding strand, the complement: TNNT2 is on the minus strand). VCF-style: chr1-201361912-C-T. GRCh37 (hg19) VCF-style: chr1-201331040-C-T.
Other names: c.680+1G>A (NM_001406727.1, NM_001001431.3, NM_001406726.1); c.689+1G>A (NM_001406724.1, NM_001001430.3, NM_001276347.2); c.671+1G>A (NM_001001432.3); c.674+1G>A (NM_001406728.1); c.686+1G>A (NM_001406725.1); c.590+1G>A (NM_001276346.2); c.710+1G>A (NM_000364.4, NM_001406723.1).
Identifiers: ClinVar variation 3075437 (VCV003075437.1), dbSNP rs1169197265, ClinGen allele CA344203484.